The following is an entry in ClinVar:

NM_007327.4(GRIN1):c.2141C>A (p.Ala714Glu)

Gene: GRIN1 (glutamate ionotropic receptor NMDA type subunit 1; plus strand). Cytogenetic location: 9q34.3.
Variant type: single nucleotide variant.
Coding change: c.2141C>A on transcript NM_007327.4 (MANE Select); coding-DNA position 2141, C replaced by A.
Protein change: p.Ala714Glu; replaces alanine 714 with glutamic acid.
Molecular consequence: missense variant.
Genome position (GRCh38, 1-based): chr9:137,162,973, C>A. VCF-style: chr9-137162973-C-A. GRCh37 (hg19) VCF-style: chr9-140057425-C-A.
Other names: c.2141C>A, p.Ala714Glu (NM_000832.7, NM_021569.4); c.2204C>A, p.Ala735Glu (NM_001185090.2, NM_001185091.2); short protein forms A714E, A735E.
Identifiers: ClinVar variation 3603151 (VCV003603151.1).
Genomic context (GRCh38, chr9:137,162,973, plus strand): 5'-GGCGCCAGGTGGAGCTGAGCACCATGTACCGGCATATGGAGAAGCACAACTACGAGAGTG[C>A]GGCGGAGGCCATCCAGGCCGTGAGAGACAAGTGAGGCGCGGGCGGCCACCCTGGCGGGGC-3'
Protein context (NP_015566.1, residues 704-724): RHMEKHNYES[Ala714Glu]AEAIQAVRDN

ClinVar aggregate classification (germline): Uncertain significance (1 of 4 stars; one submission).

Submission:

GeneDx
Classification: Uncertain significance. Last evaluated: 2024-08-05. Review status: criteria provided, single submitter. Criteria: GeneDx Variant Classification Process June 2021. Collection method: clinical testing. Allele origin: germline. Affected: yes.
Comment: Not observed at significant frequency in large population cohorts (gnomAD); In silico analysis supports that this missense variant has a deleterious effect on protein structure/function; Has not been previously published as pathogenic or benign to our knowledge